The following is an entry in ClinVar:

ClinVar aggregate classification (germline): Pathogenic/Likely pathogenic. Review status: criteria provided, multiple submitters, no conflicts (2 of 4 stars). 6 submissions from 5 submitters: Pathogenic (4); Likely pathogenic (1). 1 of the submissions does not count toward it. Last evaluated 2026-06-18.

Conditions:
Arthrogryposis multiplex congenita 6. Identifiers: MedGen C5543431, MONDO:0030281, OMIM 619334.
NEB-related disorder. Also called: NEB-Related Disorders; NEB-related condition.
Nemaline myopathy 2 (NEM2). Also called: Nemaline myopathy 2, autosomal recessive. Identifiers: MedGen C1850569, MONDO:0009725, OMIM 256030.

gnomAD v4.1: 5 of 1,582,842 alleles (0.00032%); highest among the groups gnomAD compares: Middle Eastern, 0.084%; no homozygotes.

Submissions (6):

PreventionGenetics, part of Exact Sciences
Classification: Pathogenic for NEB-related condition. Last evaluated: 2026-06-18. Review status: criteria provided, single submitter. Criteria: ACMG Guidelines, 2015. Collection method: clinical testing. Allele origin: germline.
Comment: The NEB c.11806-1G>A variant is predicted to disrupt the AG splice acceptor site and interfere with normal splicing. This variant has been reported in the homozygous state in at least two fetuses with fetal akinesia and fetal hydrops (Monies et al. 2017. PubMed ID: 28600779, Al-Dewik et al. 2019. PubMed ID: 30919572, Al-Hamed et al. 2021. PubMed ID: 34853893). This variant has not been reported in a large population database, indicating this variant is rare. Variants that disrupt the consensus splice acceptor site in NEB are expected to be pathogenic. This variant is interpreted as pathogenic.

Genomic Medicine Center of Excellence, King Faisal Specialist Hospital and Research Centre
Classification: Pathogenic for Arthrogryposis multiplex congenita 6. Last evaluated: 2024-03-22. Review status: criteria provided, single submitter. Criteria: ACMG Guidelines, 2015. Collection method: research. Allele origin: germline.

Genomic Medicine Center of Excellence, King Faisal Specialist Hospital and Research Centre
Classification: Pathogenic for Nemaline myopathy 2. Last evaluated: 2024-03-17. Review status: criteria provided, single submitter. Criteria: ACMG Guidelines, 2015. Collection method: research. Allele origin: germline.

Labcorp Genetics (formerly Invitae), Labcorp
Classification: Likely pathogenic for Nemaline myopathy 2. Last evaluated: 2024-01-31. Review status: criteria provided, single submitter. Criteria: Invitae Variant Classification Sherloc (09022015). Collection method: clinical testing. Allele origin: germline.
Comment: This sequence change affects an acceptor splice site in intron 78 of the NEB gene. It is expected to disrupt RNA splicing. Variants that disrupt the donor or acceptor splice site typically lead to a loss of protein function (PMID: 16199547), and loss-of-function variants in NEB are known to be pathogenic (PMID: 25205138). This variant is not present in population databases (gnomAD no frequency). Disruption of this splice site has been observed in individual(s) with clinical features of NEB-related conditions (PMID: 28600779, 30919572, 34853893). ClinVar contains an entry for this variant (Variation ID: 280692). Algorithms developed to predict the effect of sequence changes on RNA splicing suggest that this variant may disrupt the consensus splice site. In summary, the currently available evidence indicates that the variant is pathogenic, but additional data are needed to prove that conclusively. Therefore, this variant has been classified as Likely Pathogenic.

GeneDx
Classification: Pathogenic. Last evaluated: 2022-09-22. Review status: criteria provided, single submitter. Criteria: GeneDx Variant Classification Process June 2021. Collection method: clinical testing. Allele origin: germline. Affected: yes.
Comment: Canonical splice site variant expected to result in aberrant splicing, although in the absence of functional evidence the actual effect of this sequence change is unknown.; Deletions involving coding exons in this gene are frequently reported as pathogenic, regardless of frame prediction (HGMD); Not observed at significant frequency in large population cohorts (gnomAD); This variant is associated with the following publications: (PMID: 34853893, 28600779, 30919572, 35046417)

Natera, Inc.
Classification: Pathogenic for Nemaline myopathy type 2. Last evaluated: 2020-09-16. Review status: no assertion criteria provided. Collection method: clinical testing. Allele origin: germline. Not counted in ClinVar's aggregate classification.

Literature cited by the submitters: PubMed 16199547 (cited by Labcorp Genetics (formerly Invitae), Labcorp); PubMed 25205138 (cited by Labcorp Genetics (formerly Invitae), Labcorp); PubMed 28600779 (cited by Labcorp Genetics (formerly Invitae), Labcorp); PubMed 30919572 (cited by Labcorp Genetics (formerly Invitae), Labcorp); PubMed 34853893 (cited by Labcorp Genetics (formerly Invitae), Labcorp).

NM_001164508.2(NEB):c.11806-1G>A

Gene: NEB (nebulin; minus strand). Cytogenetic location: 2q23.3.
Variant type: single nucleotide variant.
Coding change: c.11806-1G>A on transcript NM_001164508.2 (MANE Select); the canonical splice acceptor site of the intron before coding-DNA position 11806, G replaced by A.
Molecular consequence: splice acceptor variant.
Genome position (GRCh38, 1-based): chr2:151,610,867, C>T on the plus strand (G>A on the coding strand, the complement: NEB is on the minus strand). VCF-style: chr2-151610867-C-T. GRCh37 (hg19) VCF-style: chr2-152467381-C-T.
Other names: c.11077-1G>A (NM_004543.5); c.11806-1G>A (NM_001164507.2, NM_001271208.2).
Identifiers: ClinVar variation 280692 (VCV000280692.20), dbSNP rs886041851, ClinGen allele CA10602804.